The following is an entry in ClinVar:

ClinVar aggregate classification (germline): Uncertain significance (1 of 4 stars; one submission).

Conditions:
Primary ciliary dyskinesia. Also called: Ciliary dyskinesia. Identifiers: Orphanet 244, MedGen C0008780, MONDO:0016575, HP:0012265.

Submission:

Labcorp Genetics (formerly Invitae), Labcorp
Classification: Uncertain significance for Primary ciliary dyskinesia. Last evaluated: 2022-08-19. Review status: criteria provided, single submitter. Criteria: Invitae Variant Classification Sherloc (09022015). Collection method: clinical testing. Allele origin: germline.
Comment: In summary, the available evidence is currently insufficient to determine the role of this variant in disease. Therefore, it has been classified as a Variant of Uncertain Significance. Algorithms developed to predict the effect of missense changes on protein structure and function are either unavailable or do not agree on the potential impact of this missense change (SIFT: "Tolerated"; PolyPhen-2: "Possibly Damaging"; Align-GVGD: "Class C0"). This variant has not been reported in the literature in individuals affected with DNAAF3-related conditions. This variant is not present in population databases (gnomAD no frequency). This sequence change replaces asparagine, which is neutral and polar, with threonine, which is neutral and polar, at codon 150 of the DNAAF3 protein (p.Asn150Thr).

NM_001256715.2(DNAAF3):c.245A>C (p.Asn82Thr)

Genes: DNAAF3-AS1 (DNAAF3 antisense RNA 1; plus strand), DNAAF3 (dynein axonemal assembly factor 3; minus strand). Cytogenetic location: 19q13.42.
Variant type: single nucleotide variant.
Coding change: c.245A>C on transcript NM_001256715.2 (MANE Select); coding-DNA position 245, A replaced by C.
Protein change: p.Asn82Thr; replaces asparagine 82 with threonine.
Molecular consequence: missense variant.
Genome position (GRCh38, 1-based): chr19:55,165,447, T>G on the plus strand (A>C on the coding strand, the complement: DNAAF3 is on the minus strand). VCF-style: chr19-55165447-T-G. GRCh37 (hg19) VCF-style: chr19-55676815-T-G.
Other names: c.449A>C, p.Asn150Thr (NM_001256714.1); c.83A>C, p.Asn28Thr (NM_001256716.2); c.386A>C, p.Asn129Thr (NM_178837.4); short protein forms N129T, N150T, N28T, N82T.
Identifiers: ClinVar variation 1716690 (VCV001716690.6), dbSNP rs2515542983, ClinGen allele CA407460261.